The following is an entry in ClinVar:

NM_001372044.2(SHANK3):c.4338_4344del (p.Thr1447fs)

Gene: SHANK3 (SH3 and multiple ankyrin repeat domains 3; plus strand). Cytogenetic location: 22q13.33.
Variant type: Deletion.
Coding change: c.4338_4344del on transcript NM_001372044.2 (MANE Select); coding-DNA positions 4338 to 4344, 7 bases deleted (GACCACA; older notation c.4338_4344delGACCACA).
Protein change: p.Thr1447fs; shifts the reading frame from threonine 1447.
Molecular consequence: frameshift variant.
Genome position (GRCh38, 1-based): chr22:50,721,946-50,721,952, GACCACA deleted; deleting any 7 consecutive bases within chr22:50,721,945-50,721,952 gives the same sequence; the c. name uses the placement nearest the transcript's 3' end. VCF-style (leftmost placement, unchanged base first): chr22-50721944-GAGACCAC-G. GRCh37 (hg19) VCF-style: chr22-51160372-GAGACCAC-G.
Other names: short protein forms T1447fs.
Identifiers: ClinVar variation 4074312 (VCV004074312.1).

ClinVar aggregate classification (germline): Pathogenic (1 of 4 stars; one submission).

Conditions:
Phelan-McDermid syndrome. Also called: TELOMERIC 22q13 MONOSOMY SYNDROME; 22q13.3 deletion syndrome; Phelan-McDermid Syndrome-SHANK3 Related. Identifiers: Orphanet 48652, MedGen C1853490, MONDO:0011652, OMIM 606232.

Submission:

Institute of Medical Genetics and Applied Genomics, University Hospital Tübingen
Classification: Pathogenic for Phelan-McDermid syndrome. Last evaluated: 2025-08-13. Review status: criteria provided, single submitter. Criteria: ACMG Guidelines, 2015. Collection method: clinical testing. Allele origin: de novo. Inheritance: Autosomal dominant inheritance. Affected: yes.